The following is an entry in ClinVar:

ClinVar aggregate classification (germline): Likely benign. Review status: criteria provided, multiple submitters, no conflicts (2 of 4 stars). 4 submissions from 4 submitters: Likely benign (3). 1 of the submissions does not count toward it. Last evaluated 2025-06-29.

Conditions:
Episodic ataxia type 2 (EA2). Also called: ACETAZOLAMIDE-RESPONSIVE HEREDITARY PAROXYSMAL CEREBELLAR ATAXIA; ATAXIA, EPISODIC, WITH NYSTAGMUS; ATAXIA, FAMILIAL PAROXYSMAL; CEREBELLAR ATAXIA, PAROXYSMAL, ACETAZOLAMIDE-RESPONSIVE; CEREBELLOPATHY, HEREDITARY PAROXYSMAL; EPISODIC ATAXIA, NYSTAGMUS-ASSOCIATED. Identifiers: Orphanet 97, MedGen C1720416, MONDO:0007163, OMIM 108500.
Developmental and epileptic encephalopathy, 42 (DEE42A). Also called: Epileptic encephalopathy, early infantile, 42; DEVELOPMENTAL AND EPILEPTIC ENCEPHALOPATHY 42A; EPILEPTIC ENCEPHALOPATHY, EARLY INFANTILE, 42A. Identifiers: MedGen C4310716, MONDO:0014917, OMIM 617106.
CACNA1A-related disorder. Also called: CACNA1A-related condition.

Allele frequency attached by ClinVar (database versions not stated): gnomAD 0.00001; TOPMed 0.00002; gnomAD exomes 0.00005 and 0.00006; ExAC 0.00008.
gnomAD v4.1: 67 of 1,586,180 alleles (0.0042%); highest among the groups gnomAD compares: Non-Finnish European, 0.0056%; no homozygotes.

Submissions (4):

Labcorp Genetics (formerly Invitae), Labcorp
Classification: Likely benign for Developmental and epileptic encephalopathy, 42; Episodic ataxia type 2. Last evaluated: 2025-06-29. Review status: criteria provided, single submitter. Criteria: Invitae Variant Classification Sherloc (09022015). Collection method: clinical testing. Allele origin: germline.

CeGaT Center for Human Genetics Tuebingen
Classification: Likely benign. Last evaluated: 2019-02-01. Review status: criteria provided, single submitter. Criteria: CeGaT Center For Human Genetics Tuebingen Variant Classification Criteria Version 2. Collection method: clinical testing. Allele origin: germline. Affected: yes. Observed: 1 variant allele.

GeneDx
Classification: Likely benign. Last evaluated: 2018-04-19. Review status: criteria provided, single submitter. Criteria: GeneDx Variant Classification Process June 2021. Collection method: clinical testing. Allele origin: germline. Affected: yes.

PreventionGenetics, part of Exact Sciences
Classification: Likely benign for CACNA1A-related condition. Last evaluated: 2020-03-23. Review status: no assertion criteria provided. Collection method: clinical testing. Allele origin: germline. Not counted in ClinVar's aggregate classification.
Comment: This variant is classified as likely benign based on ACMG/AMP sequence variant interpretation guidelines (Richards et al. 2015 PMID: 25741868, with internal and published modifications).

NM_001127222.2(CACNA1A):c.864G>A (p.Gln288=)

Gene: CACNA1A (calcium voltage-gated channel subunit alpha1 A; minus strand). Cytogenetic location: 19p13.13.
Variant type: single nucleotide variant.
Coding change: c.864G>A on transcript NM_001127222.2 (MANE Select); coding-DNA position 864, G replaced by A.
Protein change: p.Gln288=; no amino-acid change (glutamine 288 retained).
Molecular consequence: synonymous variant.
Genome position (GRCh38, 1-based): chr19:13,359,720, C>T on the plus strand (G>A on the coding strand, the complement: CACNA1A is on the minus strand). VCF-style: chr19-13359720-C-T. GRCh37 (hg19) VCF-style: chr19-13470534-C-T.
Other names: c.864G>A (NM_001127222.1); c.864G>A, p.Gln288= (NM_000068.4, NM_001127221.2, NM_001174080.2 and 1 more transcripts).
Identifiers: ClinVar variation 510048 (VCV000510048.51), dbSNP rs770448965, ClinGen allele CA9240950.